The following is an entry in ClinVar:

ClinVar aggregate classification (germline): Uncertain significance (1 of 4 stars; one submission).

Submission:

GeneDx
Classification: Uncertain significance. Last evaluated: 2025-05-11. Review status: criteria provided, single submitter. Criteria: GeneDx Variant Classification Process June 2021. Collection method: clinical testing. Allele origin: germline. Affected: yes.
Comment: Not observed at significant frequency in large population cohorts (gnomAD); In silico analysis suggests that this missense variant does not alter protein structure/function; Has not been previously published as pathogenic or benign to our knowledge

NM_001042492.3(NF1):c.193G>A (p.Val65Ile)

Gene: NF1 (neurofibromin 1; plus strand). Cytogenetic location: 17q11.2.
Variant type: single nucleotide variant.
Coding change: c.193G>A on transcript NM_001042492.3 (MANE Select); coding-DNA position 193, G replaced by A.
Protein change: p.Val65Ile; replaces valine 65 with isoleucine.
Molecular consequence: missense variant.
Genome position (GRCh38, 1-based): chr17:31,156,115, G>A. VCF-style: chr17-31156115-G-A. GRCh37 (hg19) VCF-style: chr17-29483133-G-A.
Other names: c.193G>A, p.Val65Ile (NM_000267.4, NM_001128147.3); short protein forms V65I.
Identifiers: ClinVar variation 4529818 (VCV004529818.1).